The following is an entry in ClinVar:

NM_000260.4(MYO7A):c.4323+2T>C

Gene: MYO7A (myosin VIIA; plus strand). Cytogenetic location: 11q13.5.
Variant type: single nucleotide variant.
Coding change: c.4323+2T>C on transcript NM_000260.4 (MANE Select); the canonical splice donor site of the intron after coding-DNA position 4323, T replaced by C.
Molecular consequence: splice donor variant.
Genome position (GRCh38, 1-based): chr11:77,194,526, T>C. VCF-style: chr11-77194526-T-C. GRCh37 (hg19) VCF-style: chr11-76905571-T-C.
Other names: c.4290+2T>C (NM_001369365.1); c.4323+2T>C (NM_001127180.2).
Identifiers: ClinVar variation 4818030 (VCV004818030.1), dbSNP rs752388932.

ClinVar aggregate classification (germline): Likely pathogenic (1 of 4 stars; one submission).

Conditions:
Usher syndrome type 1B (USH1B). Also called: Usher syndrome type IB. Identifiers: MedGen C1848638, MONDO:0700087.

Submission:

Natera, Inc.
Classification: Likely pathogenic for Usher syndrome type 1B. Last evaluated: 2025-09-21. Review status: criteria provided, single submitter. Criteria: Natera Variant Classification Schema (03/2026). Collection method: clinical testing. Allele origin: germline.
Comment: The c.4323+2T>C variant in MYO7A is a canonical splice donor site variant predicted to affect pre-mRNA splicing, which may result in an abnormal transcript and altered protein product. This variant may result in a truncated or dysfunctional protein product. This variant is rare in the general population with a frequency below the threshold expected for the associated phenotype(s). This variant has been observed in one or more individuals affected with the associated recessive disease, as either homozygous or compound heterozygous with a second variant (PMID: 31479088, 26338283). Given the available evidence, this variant is classified as Likely Pathogenic.

Literature cited by the submitters: PubMed 31479088; PubMed 26338283.